The following is an entry in ClinVar:

NM_014003.4(DHX38):c.1271C>A (p.Thr424Asn)

Gene: DHX38 (DEAH-box helicase 38; plus strand). Cytogenetic location: 16q22.2.
Variant type: single nucleotide variant.
Coding change: c.1271C>A on transcript NM_014003.4 (MANE Select); coding-DNA position 1271, C replaced by A.
Protein change: p.Thr424Asn; replaces threonine 424 with asparagine.
Molecular consequence: missense variant.
Genome position (GRCh38, 1-based): chr16:72,100,590, C>A. VCF-style: chr16-72100590-C-A. GRCh37 (hg19) VCF-style: chr16-72134489-C-A.
Other names: short protein forms T424N.
Identifiers: ClinVar variation 1061112 (VCV001061112.9), dbSNP rs2144144005, ClinGen allele CA396705549.
Genomic context (GRCh38, chr16:72,100,590, plus strand): 5'-AGGTGCATCTGATGGTGCACAATCTGGTGCCTCCCTTTCTGGATGGGCGCATTGTCTTCA[C>A]CAAGCAGGTGAGGCTCCTCTGTGGCCAGGGACAAGACAGCTCAGAGAGACCTGATGTGGG-3'
Protein context (NP_054722.2, residues 414-434): PPFLDGRIVF[Thr424Asn]KQPEPVIPVK

ClinVar aggregate classification (germline): Uncertain significance (1 of 4 stars; one submission).

Submission:

Labcorp Genetics (formerly Invitae), Labcorp
Classification: Uncertain significance. Last evaluated: 2022-06-20. Review status: criteria provided, single submitter. Criteria: Invitae Variant Classification Sherloc (09022015). Collection method: clinical testing. Allele origin: germline.
Comment: This variant is not present in population databases (gnomAD no frequency). This variant has not been reported in the literature in individuals affected with DHX38-related conditions. ClinVar contains an entry for this variant (Variation ID: 1061112). Algorithms developed to predict the effect of missense changes on protein structure and function (SIFT, PolyPhen-2, Align-GVGD) all suggest that this variant is likely to be disruptive. In summary, the available evidence is currently insufficient to determine the role of this variant in disease. Therefore, it has been classified as a Variant of Uncertain Significance. This sequence change replaces threonine, which is neutral and polar, with asparagine, which is neutral and polar, at codon 424 of the DHX38 protein (p.Thr424Asn).